The following is an entry in ClinVar:

NM_004991.4(MECOM):c.273A>G (p.Gly91=)

Gene: MECOM (MDS1 and EVI1 complex locus; minus strand). Cytogenetic location: 3q26.2.
Variant type: single nucleotide variant.
Coding change: c.273A>G on transcript NM_004991.4 (MANE Select); coding-DNA position 273, A replaced by G.
Protein change: p.Gly91=; no amino-acid change (glycine 91 retained).
Molecular consequence: synonymous variant. On other transcripts: intron variant (1).
Genome position (GRCh38, 1-based): chr3:169,381,289, T>C on the plus strand (A>G on the coding strand, the complement: MECOM is on the minus strand). VCF-style: chr3-169381289-T-C. GRCh37 (hg19) VCF-style: chr3-169099077-T-C.
Other names: p.Gly91=; c.273A>G, p.Gly91= (NM_001366466.2, NM_001366473.2); c.-189-237457A>G (NM_001205194.2).
Identifiers: ClinVar variation 3057726 (VCV003057726.5), dbSNP rs146552560, ClinGen allele CA2696693.

ClinVar aggregate classification (germline): Benign/Likely benign. Review status: criteria provided, multiple submitters, no conflicts (2 of 4 stars). 4 submissions from 4 submitters: Benign (1); Likely benign (2). 1 of the submissions does not count toward it. Last evaluated 2026-09-01.

Conditions:
MECOM-related disorder. Also called: MECOM-related condition.

Allele frequency attached by ClinVar (database versions not stated): gnomAD 0.00035; gnomAD exomes 0.00041; ExAC 0.00062; 1000 Genomes Project 30x 0.00078; 1000 Genomes Project 0.00100; ESP Exome Variant Server 0.00017; TOPMed 0.00033.
gnomAD v4.1: 660 of 1,613,882 alleles (0.041%); highest among the groups gnomAD compares: South Asian, 0.23%; 4 homozygotes.

Submissions (4):

CeGaT Center for Human Genetics Tuebingen
Classification: Likely benign. Last evaluated: 2026-09-01. Review status: criteria provided, single submitter. Criteria: CeGaT Center For Human Genetics Tuebingen Variant Classification Criteria Version 2. Collection method: clinical testing. Allele origin: germline. Affected: yes. Observed: 1 variant allele.
Comment: MECOM: BP4, BP7

Mayo Clinic Laboratories, Mayo Clinic
Classification: Benign. Last evaluated: 2025-07-23. Review status: criteria provided, single submitter. Criteria: ACMG Guidelines, 2015. Collection method: clinical testing. Allele origin: germline. Observed: 1 variant allele.
Comment: BS1, BS2, BP4, BP7

Blueprint Genetics
Classification: Likely benign. Last evaluated: 2024-11-22. Review status: criteria provided, single submitter. Criteria: ACMG Guidelines, 2015. Collection method: clinical testing. Allele origin: germline.

PreventionGenetics, part of Exact Sciences
Classification: Likely benign for MECOM-related condition. Last evaluated: 2022-07-30. Review status: no assertion criteria provided. Collection method: clinical testing. Allele origin: germline. Not counted in ClinVar's aggregate classification.
Comment: This variant is classified as likely benign based on ACMG/AMP sequence variant interpretation guidelines (Richards et al. 2015 PMID: 25741868, with internal and published modifications).